The following is an entry in ClinVar:

NM_078629.4(MSL3):c.1171+73G>C

Gene: MSL3 (MSL complex subunit 3; plus strand). Cytogenetic location: Xp22.2.
Variant type: single nucleotide variant.
Coding change: c.1171+73G>C on transcript NM_078629.4 (MANE Select); 73 bases into the intron after coding-DNA position 1171, G replaced by C.
Molecular consequence: intron variant. On other transcripts: missense variant (1).
Genome position (GRCh38, 1-based): chrX:11,765,802, G>C. VCF-style: chrX-11765802-G-C. GRCh37 (hg19) VCF-style: chrX-11783921-G-C.
Other names: c.1244G>C, p.Trp415Ser (NM_078628.2); c.724+73G>C (NM_001282174.1); c.1135+73G>C (NM_001193270.2); c.673+73G>C (NM_006800.4); short protein forms W415S.
Identifiers: ClinVar variation 2499900 (VCV002499900.2), dbSNP rs375478362, ClinGen allele CA326720719.
Genomic context (GRCh38, chrX:11,765,802, plus strand): 5'-TCGGGTGCCCCAGGCCGGGGAGAGCCAGCGTGTACTTTGTGTTTAGTCAGTGCCAGGCAT[G>C]GTGCTGAGGTTACATGTGTGTGTGTACAGTGCGTGTGATTCCCATGTCCAAAGTGCTGTC-3'

ClinVar aggregate classification (germline): Uncertain significance (1 of 4 stars; one submission).

Allele frequency attached by ClinVar (database versions not stated): gnomAD 0.00001; ESP Exome Variant Server 0.00009.
gnomAD v4.1: 1 of 1,177,083 alleles (0.000085%); highest among the groups gnomAD compares: African/African-American, 0.0018%; no homozygotes.

Submission:

GeneDx
Classification: Uncertain significance. Last evaluated: 2026-06-26. Review status: criteria provided, single submitter. Criteria: GeneDx Variant Classification Process June 2021. Collection method: clinical testing. Allele origin: germline.
Comment: Not observed at significant frequency in large population cohorts (gnomAD); In silico analysis suggests that this missense variant does not alter protein structure/function; Has not been previously published as pathogenic or benign to our knowledge; Reported using an alternate transcript of the gene